The following is an entry in ClinVar:

NM_152558.5(IQCE):c.825-8T>G

Gene: IQCE (IQ motif containing E; plus strand). Cytogenetic location: 7p22.3.
Variant type: single nucleotide variant.
Coding change: c.825-8T>G on transcript NM_152558.5 (MANE Select); 8 bases into the intron before coding-DNA position 825, T replaced by G.
Molecular consequence: intron variant.
Genome position (GRCh38, 1-based): chr7:2,586,200, T>G. VCF-style: chr7-2586200-T-G. GRCh37 (hg19) VCF-style: chr7-2625834-T-G.
Other names: c.777-8T>G (NM_001410865.1, NM_001287500.2); c.630-8T>G (NM_001287501.2, NM_001287502.2); c.825-8T>G (NM_001287499.2).
Identifiers: ClinVar variation 3342736 (VCV003342736.1).

ClinVar aggregate classification (germline): Uncertain significance (1 of 4 stars; one submission).

gnomAD v4.1: 7 of 1,609,500 alleles (0.00043%); highest among the groups gnomAD compares: African/African-American, 0.0054%; no homozygotes.

Submission:

GeneDx
Classification: Uncertain significance. Last evaluated: 2022-12-05. Review status: criteria provided, single submitter. Criteria: GeneDx Variant Classification Process June 2021. Collection method: clinical testing. Allele origin: germline. Affected: yes.
Comment: Observed in large population cohorts (gnomAD; internal data); Has not been previously published as pathogenic or benign to our knowledge; In silico analysis is inconclusive as to whether the variant alters gene splicing. In the absence of RNA/functional studies, the actual effect of this sequence change is unknown.; Variants in candidate genes are classified as variants of uncertain significance in accordance with ACMG guidelines (Richards et al., 2015)